The following is an entry in ClinVar:

NM_002662.5(PLD1):c.1982A>T (p.Asp661Val)

Gene: PLD1 (phospholipase D1; minus strand). Cytogenetic location: 3q26.31.
Variant type: single nucleotide variant.
Coding change: c.1982A>T on transcript NM_002662.5 (MANE Select); coding-DNA position 1982, A replaced by T.
Protein change: p.Asp661Val; replaces aspartic acid 661 with valine.
Molecular consequence: missense variant.
Genome position (GRCh38, 1-based): chr3:171,677,580, T>A on the plus strand (A>T on the coding strand, the complement: PLD1 is on the minus strand). VCF-style: chr3-171677580-T-A. GRCh37 (hg19) VCF-style: chr3-171395370-T-A.
Other names: c.1868A>T, p.Asp623Val (NM_001130081.3); short protein forms D623V, D661V.
Identifiers: ClinVar variation 1309145 (VCV001309145.3), dbSNP rs762462912, ClinGen allele CA2704443.

ClinVar aggregate classification (germline): Uncertain significance. Review status: criteria provided, multiple submitters, no conflicts (2 of 4 stars). 2 submissions from 2 submitters: Uncertain significance (2). Last evaluated 2022-10-20.

Conditions:
Cardiac valvular defect, developmental (CVDP1). Also called: CARDIAC VALVULAR DYSPLASIA 1. Identifiers: MedGen C5774175, MONDO:0008913, OMIM 212093.

Allele frequency attached by ClinVar (database versions not stated): TOPMed 0.00004; gnomAD 0.00005; 1000 Genomes Project 30x 0.00016.
gnomAD v4.1: 265 of 1,613,928 alleles (0.016%); highest among the groups gnomAD compares: Non-Finnish European, 0.022%; no homozygotes.

Submissions (2):

GeneDx
Classification: Uncertain significance. Last evaluated: 2022-10-20. Review status: criteria provided, single submitter. Criteria: GeneDx Variant Classification Process June 2021. Collection method: clinical testing. Allele origin: germline. Affected: yes.
Comment: In silico analysis supports that this missense variant has a deleterious effect on protein structure/function; Has not been previously published as pathogenic or benign to our knowledge

Fulgent Genetics
Classification: Uncertain significance for Cardiac valvular defect, developmental. Last evaluated: 2021-12-02. Review status: criteria provided, single submitter. Criteria: ACMG Guidelines, 2015. Collection method: clinical testing. Allele origin: unknown.